The following is an entry in ClinVar:

NM_000208.4(INSR):c.888G>A (p.Ser296=)

Gene: INSR (insulin receptor; minus strand). Cytogenetic location: 19p13.2.
Variant type: single nucleotide variant.
Coding change: c.888G>A on transcript NM_000208.4 (MANE Select); coding-DNA position 888, G replaced by A.
Protein change: p.Ser296=; no amino-acid change (serine 296 retained).
Molecular consequence: synonymous variant.
Genome position (GRCh38, 1-based): chr19:7,184,402, C>T on the plus strand (G>A on the coding strand, the complement: INSR is on the minus strand). VCF-style: chr19-7184402-C-T. GRCh37 (hg19) VCF-style: chr19-7184413-C-T.
Other names: c.888G>A, p.Ser296= (NM_001079817.3).
Identifiers: ClinVar variation 715542 (VCV000715542.46), dbSNP rs2229428, ClinGen allele CA9135990.
Genomic context (GRCh38, chr19:7,184,402, plus strand): 5'-GGGACACTCAGGGATGCACTTGTTGTTGTGAATGACGTACTGGTGGCAGCCCTGCCTCCG[C>T]GAGTTCTTGCATTTGTGGTGCAGGTCCTGGCAGAAGCTGAAGTTCACACAGCGCCAGTCC-3'
Protein context (NP_000199.2, residues 286-306): CQDLHHKCKN[Ser296=]RRQGCHQYVI

ClinVar aggregate classification (germline): Benign/Likely benign. Review status: criteria provided, multiple submitters, no conflicts (2 of 4 stars). 3 submissions from 3 submitters: Benign (1); Likely benign (2). Last evaluated 2025-06-23.

Allele frequency attached by ClinVar (database versions not stated): gnomAD exomes 0.00016 and 0.00063; gnomAD 0.00024 and 0.00034; TOPMed 0.00029; ExAC 0.00067; 1000 Genomes Project 0.00220; 1000 Genomes Project 30x 0.00250.
gnomAD v4.1: 293 of 1,614,048 alleles (0.018%); highest among the groups gnomAD compares: East Asian, 0.5%; no homozygotes.

Submissions (3):

Labcorp Genetics (formerly Invitae), Labcorp
Classification: Benign. Last evaluated: 2025-06-23. Review status: criteria provided, single submitter. Criteria: Invitae Variant Classification Sherloc (09022015). Collection method: clinical testing. Allele origin: germline.

Blueprint Genetics
Classification: Likely benign. Last evaluated: 2024-08-30. Review status: criteria provided, single submitter. Criteria: ACMG Guidelines, 2015. Collection method: clinical testing. Allele origin: germline.

CeGaT Center for Human Genetics Tuebingen
Classification: Likely benign. Last evaluated: 2022-11-01. Review status: criteria provided, single submitter. Criteria: CeGaT Center For Human Genetics Tuebingen Variant Classification Criteria Version 2. Collection method: clinical testing. Allele origin: germline. Affected: yes. Observed: 2 variant alleles.
Comment: INSR: BP4, BP7